The following is an entry in ClinVar:

NM_000093.5(COL5A1):c.2312C>G (p.Pro771Arg)

Gene: COL5A1 (collagen type V alpha 1 chain; plus strand). Cytogenetic location: 9q34.3.
Variant type: single nucleotide variant.
Coding change: c.2312C>G on transcript NM_000093.5 (MANE Select); coding-DNA position 2312, C replaced by G.
Protein change: p.Pro771Arg; replaces proline 771 with arginine.
Molecular consequence: missense variant.
Genome position (GRCh38, 1-based): chr9:134,772,815, C>G. VCF-style: chr9-134772815-C-G. GRCh37 (hg19) VCF-style: chr9-137664661-C-G.
Other names: c.2312C>G, p.Pro771Arg (NM_001278074.1); short protein forms P771R.
Identifiers: ClinVar variation 529263 (VCV000529263.10), dbSNP rs1554797269, ClinGen allele CA375451214.
Genomic context (GRCh38, chr9:134,772,815, plus strand): 5'-GCACTGACTAATCAATGCTTCTTCTTTTGTGACAGGGACACCCTGGCAAAGAAGGCCCTC[C>G]AGGAGAGAAAGGAGGTCAGGTGGGTGCTCGCCACGCCCTCCTACCCTTCAGCATCCAGGT-3'
Protein context (NP_000084.3, residues 761-781): PPGHPGKEGP[Pro771Arg]GEKGGQGPPG

ClinVar aggregate classification (germline): Uncertain significance (1 of 4 stars; one submission).

Conditions:
Ehlers-Danlos syndrome, classic type, 1 (EDSCL1). Also called: Ehlers-Danlos Syndrome, Classic Type, COL5A1-Related; EDS I; Ehlers-Danlos syndrome, type 1; EHLERS-DANLOS SYNDROME, GRAVIS TYPE; EHLERS-DANLOS SYNDROME, SEVERE CLASSIC TYPE. Identifiers: MedGen C0268335, MONDO:0019567, OMIM 130000.

gnomAD v4.1: 1 of 1,614,028 alleles (0.000062%); highest among the groups gnomAD compares: Non-Finnish European, 0.000085%; no homozygotes.

Submission:

Labcorp Genetics (formerly Invitae), Labcorp
Classification: Uncertain significance for Ehlers-Danlos syndrome, classic type, 1. Last evaluated: 2025-07-27. Review status: criteria provided, single submitter. Criteria: Invitae Variant Classification Sherloc (09022015). Collection method: clinical testing. Allele origin: germline.
Comment: This sequence change replaces proline, which is neutral and non-polar, with arginine, which is basic and polar, at codon 771 of the COL5A1 protein (p.Pro771Arg). This variant is not present in population databases (gnomAD no frequency). This variant has not been reported in the literature in individuals affected with COL5A1-related conditions. ClinVar contains an entry for this variant (Variation ID: 529263). Invitae Evidence Modeling of protein sequence and biophysical properties (such as structural, functional, and spatial information, amino acid conservation, physicochemical variation, residue mobility, and thermodynamic stability) indicates that this missense variant is not expected to disrupt COL5A1 protein function with a negative predictive value of 80%. In summary, the available evidence is currently insufficient to determine the role of this variant in disease. Therefore, it has been classified as a Variant of Uncertain Significance.